The following is an entry in ClinVar:

NM_000136.3(FANCC):c.245C>T (p.Ala82Val)

Gene: FANCC (FA complementation group C; minus strand). Cytogenetic location: 9q22.32.
Variant type: single nucleotide variant.
Coding change: c.245C>T on transcript NM_000136.3 (MANE Select); coding-DNA position 245, C replaced by T.
Protein change: p.Ala82Val; replaces alanine 82 with valine.
Molecular consequence: missense variant.
Genome position (GRCh38, 1-based): chr9:95,247,437, G>A on the plus strand (C>T on the coding strand, the complement: FANCC is on the minus strand). VCF-style: chr9-95247437-G-A. GRCh37 (hg19) VCF-style: chr9-98009719-G-A.
Other names: c.245C>T, p.Ala82Val (NM_001243743.2, NM_001243744.2); short protein forms A82V.
Identifiers: ClinVar variation 4870970 (VCV004870970.1).
Genomic context (GRCh38, chr9:95,247,437, plus strand): 5'-AAACAATGCAAAGATTAAAATAGCCATTTTGAGAGGACACGTTTTTGATTCTTACCATAT[G>A]CTAAAATAAAAGGATTCCAACAAGCTTTTGCCAACAGTTGACCAATTGTGGGGAATCTTT-3'
Protein context (NP_000127.2, residues 72-92): AKACWNPFIL[Ala82Val]YDESQKILIW

ClinVar aggregate classification (germline): Uncertain significance (1 of 4 stars; one submission).

Conditions:
Hereditary cancer-predisposing syndrome. Also called: Neoplastic Syndromes, Hereditary; Hereditary Cancer Syndrome; Hereditary neoplastic syndrome; Tumor predisposition. Identifiers: Orphanet 140162, MedGen C0027672, MeSH D009386, MONDO:0015356.

gnomAD v4.1: 1 of 1,611,236 alleles (0.000062%); highest among the groups gnomAD compares: Middle Eastern, 0.017%; no homozygotes.

Submission:

Ambry Genetics
Classification: Uncertain significance for Hereditary cancer-predisposing syndrome. Last evaluated: 2026-06-14. Review status: criteria provided, single submitter. Criteria: Ambry Variant Classification Scheme 2023. Collection method: clinical testing. Allele origin: germline.
Comment: The p.A82V variant (also known as c.245C>T), located in coding exon 2 of the FANCC gene, results from a C to T substitution at nucleotide position 245. The alanine at codon 82 is replaced by valine, an amino acid with similar properties. This amino acid position is conserved. In addition, the in silico prediction for this alteration is inconclusive. Based on the available evidence, the clinical significance of this variant remains unclear.